The following is an entry in ClinVar:

ClinVar aggregate classification (germline): Conflicting classifications of pathogenicity. Review status: criteria provided, conflicting classifications (1 of 4 stars). 3 submissions from 2 submitters: Uncertain significance (1); Benign (1); Likely benign (1). Last evaluated 2018-01-13.

Conditions:
Maturity-onset diabetes of the young type 1. Also called: MODY type 1; Diabetes mellitus MODY type 1; MODY HNF4A related; MILD JUVENILE DIABETES MELLITUS; HNF4A-Related Maturity-Onset Diabetes of the Young Type 1; MODY, type I. Identifiers: Orphanet 552, MedGen C1852093, MONDO:0007452, OMIM 125850. Disease mechanism: loss of function.
Maturity-onset diabetes of the young (MODY). Also called: Maturity onset diabetes mellitus in young. Identifiers: Orphanet 552, MedGen C0342276, MONDO:0018911, HP:0004904.
Familial hyperinsulinism. Also called: Congenital hyperinsulinism. Identifiers: Orphanet 276525, MedGen C3888018, MONDO:0017182. Disease mechanism: loss of function.

Allele frequency attached by ClinVar (database versions not stated): gnomAD 0.00026 and 0.00029; TOPMed 0.00026; 1000 Genomes Project 30x 0.00031; 1000 Genomes Project 0.00040; gnomAD exomes 0.00397.
gnomAD v4.1: 42 of 152,464 alleles (0.028%); highest among the groups gnomAD compares: African/African-American, 0.065%; no homozygotes.

Submissions (3):

Illumina Laboratory Services, Illumina
Classification: Uncertain significance for Familial hyperinsulinism. Last evaluated: 2018-01-13. Review status: criteria provided, single submitter. Criteria: ICSL Variant Classification Criteria 13 December 2019. Collection method: clinical testing. Allele origin: germline.

Illumina Laboratory Services, Illumina
Classification: Likely benign for Maturity-onset diabetes of the young type 1. Last evaluated: 2018-01-13. Review status: criteria provided, single submitter. Criteria: ICSL Variant Classification Criteria 13 December 2019. Collection method: clinical testing. Allele origin: germline.
Comment: This variant was observed in the ICSL laboratory as part of a predisposition screen in an ostensibly healthy population. It had not been previously curated by ICSL or reported in the Human Gene Mutation Database (HGMD: prior to June 1st, 2018), and was therefore a candidate for classification through an automated scoring system. Utilizing variant allele frequency, disease prevalence and penetrance estimates, and inheritance mode, an automated score was calculated to assess if this variant is too frequent to cause the disease. Based on the score and internal cut-off values, a variant classified as likely benign is not then subjected to further curation. The score for this variant resulted in a classification of likely benign for this disease.

Clinical Genomics, Uppaluri K&H Personalized Medicine Clinic
Classification: Benign for Maturity-onset diabetes of the young. Review status: criteria provided, single submitter. Criteria: K & H Uppaluri Personalized Medicine Clinic Variant Classification & Assertion Criteria_Updated V.1. Collection method: research. Allele origin: unknown. Inheritance: Autosomal dominant inheritance.
Comment: Potent mutations in HNF4A are associated with poor insulin secretion in response to hyperglycemia. Associated with MODY1. Patients initially respond well to sulfonylureas but eventually become insulin dependent. However, more evidence is required to ascertain the role of this particular variant rs537782818 in MODY, yet.

Literature cited by the submitters: DOI 10.1159/000334532 (cited by Clinical Genomics, Uppaluri K&H Personalized Medicine Clinic); PubMed 18268044 (cited by Clinical Genomics, Uppaluri K&H Personalized Medicine Clinic); PubMed 17563455 (cited by Clinical Genomics, Uppaluri K&H Personalized Medicine Clinic); PubMed 32583173 (cited by Clinical Genomics, Uppaluri K&H Personalized Medicine Clinic); PubMed 35052457 (cited by Clinical Genomics, Uppaluri K&H Personalized Medicine Clinic); PubMed 35118593 (cited by Clinical Genomics, Uppaluri K&H Personalized Medicine Clinic).

NM_175914.5(HNF4A):c.*764C>T

Gene: HNF4A (hepatocyte nuclear factor 4 alpha; plus strand). Cytogenetic location: 20q13.12.
Variant type: single nucleotide variant.
Coding change: c.*764C>T on transcript NM_175914.5 (MANE Select); 764 bases downstream of the stop codon, C replaced by T.
Molecular consequence: 3 prime UTR variant.
Genome position (GRCh38, 1-based): chr20:44,430,429, C>T. VCF-style: chr20-44430429-C-T. GRCh37 (hg19) VCF-style: chr20-43059069-C-T.
Other names: c.*764C>T (NM_000457.6, NM_001030003.3, NM_001258355.2 and 3 more transcripts).
Identifiers: ClinVar variation 896743 (VCV000896743.5), dbSNP rs537782818, ClinGen allele CA315421435.